The following is an entry in ClinVar:

NM_004525.3(LRP2):c.4892A>G (p.His1631Arg)

Gene: LRP2 (LDL receptor related protein 2; minus strand). Cytogenetic location: 2q31.1.
Variant type: single nucleotide variant.
Coding change: c.4892A>G on transcript NM_004525.3 (MANE Select); coding-DNA position 4892, A replaced by G.
Protein change: p.His1631Arg; replaces histidine 1631 with arginine.
Molecular consequence: missense variant.
Genome position (GRCh38, 1-based): chr2:169,235,868, T>C on the plus strand (A>G on the coding strand, the complement: LRP2 is on the minus strand). VCF-style: chr2-169235868-T-C. GRCh37 (hg19) VCF-style: chr2-170092378-T-C.
Other names: c.4892A>G (NM_004525.2); short protein forms H1631R.
Identifiers: ClinVar variation 1363340 (VCV001363340.10), dbSNP rs1309942116, ClinGen allele CA349142090.

ClinVar aggregate classification (germline): Uncertain significance. Review status: criteria provided, multiple submitters, no conflicts (2 of 4 stars). 3 submissions from 3 submitters: Uncertain significance (3). Last evaluated 2024-08-20.

Conditions:
Donnai-Barrow syndrome. Also called: DBS/FOAR SYNDROME; FACIOOCULOACOUSTICORENAL SYNDROME. Identifiers: Orphanet 2143, MedGen C1857277, MONDO:0009104, OMIM 222448.
Inborn genetic diseases. Identifiers: MedGen C0950123, MeSH D030342.

Allele frequency attached by ClinVar (database versions not stated): gnomAD exomes 0.00001; gnomAD 0.00002; TOPMed 0.00002.
gnomAD v4.1: 10 of 1,614,054 alleles (0.00062%); highest among the groups gnomAD compares: African/African-American, 0.008%; no homozygotes.

Submissions (3):

Ambry Genetics
Classification: Uncertain significance for Inborn genetic diseases. Last evaluated: 2024-08-20. Review status: criteria provided, single submitter. Criteria: Ambry Variant Classification Scheme 2023. Collection method: clinical testing. Allele origin: germline.

Fulgent Genetics
Classification: Uncertain significance for Donnai-Barrow syndrome. Last evaluated: 2024-03-18. Review status: criteria provided, single submitter. Criteria: ACMG Guidelines, 2015. Collection method: clinical testing. Allele origin: germline.

Labcorp Genetics (formerly Invitae), Labcorp
Classification: Uncertain significance. Last evaluated: 2022-03-10. Review status: criteria provided, single submitter. Criteria: Invitae Variant Classification Sherloc (09022015). Collection method: clinical testing. Allele origin: germline.
Comment: In summary, the available evidence is currently insufficient to determine the role of this variant in disease. Therefore, it has been classified as a Variant of Uncertain Significance. Advanced modeling of protein sequence and biophysical properties (such as structural, functional, and spatial information, amino acid conservation, physicochemical variation, residue mobility, and thermodynamic stability) performed at Invitae indicates that this missense variant is not expected to disrupt LRP2 protein function. This variant has not been reported in the literature in individuals affected with LRP2-related conditions. This variant is present in population databases (no rsID available, gnomAD 0.008%). This sequence change replaces histidine, which is basic and polar, with arginine, which is basic and polar, at codon 1631 of the LRP2 protein (p.His1631Arg).